The following is an entry in ClinVar:

NM_003900.5(SQSTM1):c.854A>G (p.Gln285Arg)

Gene: SQSTM1 (sequestosome 1; plus strand). Cytogenetic location: 5q35.3.
Variant type: single nucleotide variant.
Coding change: c.854A>G on transcript NM_003900.5 (MANE Select); coding-DNA position 854, A replaced by G.
Protein change: p.Gln285Arg; replaces glutamine 285 with arginine.
Molecular consequence: missense variant.
Genome position (GRCh38, 1-based): chr5:179,833,131, A>G. VCF-style: chr5-179833131-A-G. GRCh37 (hg19) VCF-style: chr5-179260131-A-G.
Other names: c.602A>G, p.Gln201Arg (NM_001142298.2, NM_001142299.2); short protein forms Q201R, Q285R.
Identifiers: ClinVar variation 3748890 (VCV003748890.2).

ClinVar aggregate classification (germline): Uncertain significance (1 of 4 stars; one submission).

Conditions:
Frontotemporal dementia and/or amyotrophic lateral sclerosis 1 (FTDALS1). Also called: Frontotemporal dementia with motor neuron disease 1; C9orf72 Frontotemporal Dementia and/or Amyotrophic Lateral Sclerosis. Identifiers: Orphanet 275872, MedGen C5779877, MONDO:0007105, OMIM 105550.
Paget disease of bone 2, early-onset (PDB2). Also called: Paget disease of bone 2. Identifiers: MedGen C4085251, MONDO:0011183, OMIM 602080.

Submission:

Labcorp Genetics (formerly Invitae), Labcorp
Classification: Uncertain significance for Paget disease of bone 2, early-onset; Frontotemporal dementia and/or amyotrophic lateral sclerosis 1. Last evaluated: 2024-11-27. Review status: criteria provided, single submitter. Criteria: Invitae Variant Classification Sherloc (09022015). Collection method: clinical testing. Allele origin: germline.
Comment: This sequence change replaces glutamine, which is neutral and polar, with arginine, which is basic and polar, at codon 285 of the SQSTM1 protein (p.Gln285Arg). This variant is not present in population databases (gnomAD no frequency). This variant has not been reported in the literature in individuals affected with SQSTM1-related conditions. Invitae Evidence Modeling of protein sequence and biophysical properties (such as structural, functional, and spatial information, amino acid conservation, physicochemical variation, residue mobility, and thermodynamic stability) indicates that this missense variant is not expected to disrupt SQSTM1 protein function with a negative predictive value of 80%. In summary, the available evidence is currently insufficient to determine the role of this variant in disease. Therefore, it has been classified as a Variant of Uncertain Significance.